The following is an entry in ClinVar:

ClinVar aggregate classification (germline): Likely pathogenic (1 of 4 stars; one submission).

Submission:

GeneDx
Classification: Likely pathogenic. Last evaluated: 2017-06-27. Review status: criteria provided, single submitter. Criteria: GeneDx Variant Classification (06012015). Collection method: clinical testing. Allele origin: germline. Affected: yes.
Comment: The Q375X variant in the ADSL gene has not been reported previously as a pathogenic variant nor as a benign variant, to our knowledge. This variant is predicted to cause loss of normal protein function either through protein truncation or nonsense-mediated mRNA decay. The Q375X variant is not observed in large population cohorts (Lek et al., 2016; 1000 Genomes Consortium et al., 2015; Exome Variant Server). We interpret Q375X as a likely pathogenic variant.

NM_000026.4(ADSL):c.1123C>T (p.Gln375Ter)

Gene: ADSL (adenylosuccinate lyase; plus strand). Cytogenetic location: 22q13.1.
Variant type: single nucleotide variant.
Coding change: c.1123C>T on transcript NM_000026.4 (MANE Select); coding-DNA position 1123, C replaced by T.
Protein change: p.Gln375Ter; replaces glutamine 375 with a stop codon.
Molecular consequence: nonsense. On other transcripts: non-coding transcript variant (1).
Genome position (GRCh38, 1-based): chr22:40,364,297, C>T. VCF-style: chr22-40364297-C-T. GRCh37 (hg19) VCF-style: chr22-40760301-C-T.
Other names: c.1123C>T, p.Gln375Ter (NM_001123378.3, NM_001363840.3); c.931C>T, p.Gln311Ter (NM_001317923.2); short protein forms Q375*, Q311*.
Identifiers: ClinVar variation 450064 (VCV000450064.2), dbSNP rs1555908924, ClinGen allele CA411646421.